The following is an entry in ClinVar:

NM_024675.4(PALB2):c.676A>G (p.Thr226Ala)

Gene: PALB2 (partner and localizer of BRCA2; minus strand). Cytogenetic location: 16p12.2.
Variant type: single nucleotide variant.
Coding change: c.676A>G on transcript NM_024675.4 (MANE Select); coding-DNA position 676, A replaced by G.
Protein change: p.Thr226Ala; replaces threonine 226 with alanine.
Molecular consequence: missense variant.
Genome position (GRCh38, 1-based): chr16:23,635,870, T>C on the plus strand (A>G on the coding strand, the complement: PALB2 is on the minus strand). VCF-style: chr16-23635870-T-C. GRCh37 (hg19) VCF-style: chr16-23647191-T-C.
Other names: short protein forms T226A.
Identifiers: ClinVar variation 490087 (VCV000490087.16), dbSNP rs1555461680, ClinGen allele CA395136433.

ClinVar aggregate classification (germline): Uncertain significance. Review status: criteria provided, multiple submitters, no conflicts (2 of 4 stars). 4 submissions from 4 submitters: Uncertain significance (4). Last evaluated 2025-01-26.

Conditions:
Hereditary cancer-predisposing syndrome. Also called: Hereditary Cancer Syndrome; Neoplastic Syndromes, Hereditary; Tumor predisposition; Hereditary neoplastic syndrome. Identifiers: Orphanet 140162, MedGen C0027672, MeSH D009386, MONDO:0015356.
Familial cancer of breast. Also called: Hereditary breast cancer; BREAST CANCER, FAMILIAL; hereditary breast carcinoma. Identifiers: Orphanet 227535, MedGen C0346153, MONDO:0016419, OMIM 114480. Disease mechanism: loss of function.

Submissions (4):

Labcorp Genetics (formerly Invitae), Labcorp
Classification: Uncertain significance for Familial cancer of breast. Last evaluated: 2025-01-26. Review status: criteria provided, single submitter. Criteria: Invitae Variant Classification Sherloc (09022015). Collection method: clinical testing. Allele origin: germline.
Comment: This sequence change replaces threonine, which is neutral and polar, with alanine, which is neutral and non-polar, at codon 226 of the PALB2 protein (p.Thr226Ala). This variant is not present in population databases (gnomAD no frequency). This variant has not been reported in the literature in individuals affected with PALB2-related conditions. ClinVar contains an entry for this variant (Variation ID: 490087). An algorithm developed to predict the effect of missense changes on protein structure and function outputs the following: PolyPhen-2: "Benign". The alanine amino acid residue is found in multiple mammalian species, which suggests that this missense change does not adversely affect protein function. In summary, the available evidence is currently insufficient to determine the role of this variant in disease. Therefore, it has been classified as a Variant of Uncertain Significance.

Mendelics
Classification: Uncertain significance. Last evaluated: 2022-05-04. Review status: criteria provided, single submitter. Criteria: Mendelics Assertion Criteria 2019. Collection method: clinical testing. Allele origin: germline.

Color Diagnostics, LLC DBA Color Health
Classification: Uncertain significance for Hereditary cancer-predisposing syndrome. Last evaluated: 2019-02-28. Review status: criteria provided, single submitter. Criteria: ACMG Guidelines, 2015. Collection method: clinical testing. Allele origin: germline.

Ambry Genetics
Classification: Uncertain significance for Hereditary cancer-predisposing syndrome. Last evaluated: 2017-11-09. Review status: criteria provided, single submitter. Criteria: Ambry Variant Classification Scheme 2023. Collection method: clinical testing. Allele origin: germline.
Comment: The p.T226A variant (also known as c.676A>G), located in coding exon 4 of the PALB2 gene, results from an A to G substitution at nucleotide position 676. The threonine at codon 226 is replaced by alanine, an amino acid with similar properties. This amino acid position is poorly conserved in available vertebrate species. In addition, this alteration is predicted to be tolerated by in silico analysis. Since supporting evidence is limited at this time, the clinical significance of this alteration remains unclear.